The following is an entry in ClinVar:

ClinVar aggregate classification (germline): Uncertain significance. Review status: criteria provided, multiple submitters, no conflicts (2 of 4 stars). 5 submissions from 5 submitters: Uncertain significance (5). Last evaluated 2024-07-16.

Conditions:
Dilated cardiomyopathy 1G (CMD1G). Identifiers: Orphanet 154, MedGen C1858763, MONDO:0011400, OMIM 604145.
Tibial muscular dystrophy (TMD). Also called: UDD MYOPATHY; Udd Distal Myopathy – Tibial Muscular Dystrophy; Tibial muscular dystrophy, tardive. Identifiers: Orphanet 609, MedGen C1838244, MONDO:0010870, OMIM 600334.
Early-onset myopathy with fatal cardiomyopathy (CMYO5). Also called: Salih Myopathy; CONGENITAL MYOPATHY 5 WITH CARDIOMYOPATHY. Identifiers: Orphanet 289377, MedGen C2673677, MONDO:0012714, OMIM 611705. Disease mechanism: loss of function.
Autosomal recessive limb-girdle muscular dystrophy type 2J (LGMDR10). Also called: Limb-girdle muscular dystrophy, type 2J; MUSCULAR DYSTROPHY, LIMB-GIRDLE, AUTOSOMAL RECESSIVE 10. Identifiers: Orphanet 140922, MedGen C1837342, MONDO:0012127, OMIM 608807.
Hypertrophic cardiomyopathy 9. Also called: Familial hypertrophic cardiomyopathy 9. Identifiers: MedGen C1861065, MONDO:0013412, OMIM 613765.
Myopathy, myofibrillar, 9, with early respiratory failure (MFM9). Also called: Hereditary myopathy with early respiratory failure; EDSTROM MYOPATHY; MYOPATHY, PROXIMAL, WITH EARLY RESPIRATORY MUSCLE INVOLVEMENT; Myopathy, distal, with early respiratory failure, autosomal dominant. Identifiers: Orphanet 178464, Orphanet 34521, MedGen C1863599, MONDO:0011362, OMIM 603689.

Allele frequency attached by ClinVar (database versions not stated): gnomAD exomes 0.00001; gnomAD 0.00002; TOPMed 0.00002.
gnomAD v4.1: 10 of 1,613,638 alleles (0.00062%); highest among the groups gnomAD compares: African/African-American, 0.0013%; no homozygotes.

Submissions (5):

GeneDx
Classification: Uncertain significance. Last evaluated: 2024-07-16. Review status: criteria provided, single submitter. Criteria: GeneDx Variant Classification Process June 2021. Collection method: clinical testing. Allele origin: germline. Affected: yes.
Comment: Not observed at significant frequency in large population cohorts (gnomAD); Missense variant in a gene in which most reported pathogenic variants are truncating/loss of function; Has not been previously published as pathogenic or benign to our knowledge

Revvity Omics, Revvity
Classification: Uncertain significance. Last evaluated: 2022-03-30. Review status: criteria provided, single submitter. Criteria: ACMG Guidelines, 2015. Collection method: clinical testing. Allele origin: germline.

Fulgent Genetics
Classification: Uncertain significance for Tibial muscular dystrophy; Myopathy, myofibrillar, 9, with early respiratory failure; Dilated cardiomyopathy 1G; Autosomal recessive limb-girdle muscular dystrophy type 2J; Early-onset myopathy with fatal cardiomyopathy; Hypertrophic cardiomyopathy 9. Last evaluated: 2021-08-31. Review status: criteria provided, single submitter. Criteria: ACMG Guidelines, 2015. Collection method: clinical testing. Allele origin: unknown.

Labcorp Genetics (formerly Invitae), Labcorp
Classification: Uncertain significance for Dilated cardiomyopathy 1G; Autosomal recessive limb-girdle muscular dystrophy type 2J. Last evaluated: 2017-10-27. Review status: criteria provided, single submitter. Criteria: Invitae Variant Classification Sherloc (09022015). Collection method: clinical testing. Allele origin: germline.

Eurofins Ntd Llc (ga)
Classification: Uncertain significance. Last evaluated: 2015-09-09. Review status: criteria provided, single submitter. Criteria: EGL Classification Definitions 2015. Collection method: clinical testing. Allele origin: germline. Observed: 1 variant allele, 1 heterozygote.

NM_001267550.2(TTN):c.84998C>T (p.Ala28333Val)

Genes: TTN (titin; minus strand), TTN-AS1 (TTN antisense RNA 1; plus strand). Cytogenetic location: 2q31.2.
Variant type: single nucleotide variant.
Coding change: c.84998C>T on transcript NM_001267550.2 (MANE Select); coding-DNA position 84998, C replaced by T.
Protein change: p.Ala28333Val; replaces alanine 28333 with valine.
Molecular consequence: missense variant.
Genome position (GRCh38, 1-based): chr2:178,561,134, G>A on the plus strand (C>T on the coding strand, the complement: TTN is on the minus strand). VCF-style: chr2-178561134-G-A. GRCh37 (hg19) VCF-style: chr2-179425861-G-A.
Other names: c.84998C>T (NM_001267550.1); c.80075C>T, p.Ala26692Val (NM_001256850.1); c.57803C>T, p.Ala19268Val (NM_003319.4); c.77294C>T, p.Ala25765Val (NM_133378.4); c.58178C>T, p.Ala19393Val (NM_133432.3); c.58379C>T, p.Ala19460Val (NM_133437.4); short protein forms A25765V, A28333V, A19268V, A26692V, A19460V, A19393V.
Identifiers: ClinVar variation 283253 (VCV000283253.12), dbSNP rs886042586, ClinGen allele CA10604439.